The following is an entry in ClinVar:

NM_012210.4(TRIM32):c.44G>A (p.Arg15Gln)

Genes: ASTN2 (astrotactin 2; minus strand), TRIM32 (tripartite motif containing 32; plus strand). Cytogenetic location: 9q33.1.
Variant type: single nucleotide variant.
Coding change: c.44G>A on transcript NM_012210.4 (MANE Select); coding-DNA position 44, G replaced by A.
Protein change: p.Arg15Gln; replaces arginine 15 with glutamine.
Molecular consequence: missense variant. On other transcripts: intron variant (3).
Genome position (GRCh38, 1-based): chr9:116,697,786, G>A. VCF-style: chr9-116697786-G-A. GRCh37 (hg19) VCF-style: chr9-119460065-G-A.
Other names: c.44G>A, p.Arg15Gln (NM_001099679.2, NM_001379048.1, NM_001379049.1 and 1 more transcripts); c.2653+27985C>T (NM_014010.5); c.2794+27985C>T (NM_001365069.1); c.2806+27985C>T (NM_001365068.1); short protein forms R15Q.
Identifiers: ClinVar variation 597474 (VCV000597474.12), dbSNP rs1341334730, ClinGen allele CA374647436.

ClinVar aggregate classification (germline): Uncertain significance. Review status: criteria provided, multiple submitters, no conflicts (2 of 4 stars). 3 submissions from 3 submitters: Uncertain significance (3). Last evaluated 2025-09-27.

Conditions:
Inborn genetic diseases. Identifiers: MedGen C0950123, MeSH D030342.
Bardet-Biedl syndrome (BBS). Identifiers: Orphanet 110, MedGen C0752166, MONDO:0015229.

Allele frequency attached by ClinVar (database versions not stated): gnomAD 0.00001; gnomAD exomes 0.00001.
gnomAD v4.1: 13 of 1,613,982 alleles (0.00081%); highest among the groups gnomAD compares: East Asian, 0.0022%; no homozygotes.

Submissions (3):

Ambry Genetics
Classification: Uncertain significance for Inborn genetic diseases. Last evaluated: 2025-09-27. Review status: criteria provided, single submitter. Criteria: Ambry Variant Classification Scheme 2023. Collection method: clinical testing. Allele origin: germline.

Labcorp Genetics (formerly Invitae), Labcorp
Classification: Uncertain significance for Bardet-Biedl syndrome. Last evaluated: 2024-10-26. Review status: criteria provided, single submitter. Criteria: Invitae Variant Classification Sherloc (09022015). Collection method: clinical testing. Allele origin: germline.
Comment: This sequence change replaces arginine, which is basic and polar, with glutamine, which is neutral and polar, at codon 15 of the TRIM32 protein (p.Arg15Gln). This variant is present in population databases (no rsID available, gnomAD 0.01%). This variant has not been reported in the literature in individuals affected with TRIM32-related conditions. ClinVar contains an entry for this variant (Variation ID: 597474). An algorithm developed to predict the effect of missense changes on protein structure and function (PolyPhen-2) suggests that this variant is likely to be disruptive. In summary, the available evidence is currently insufficient to determine the role of this variant in disease. Therefore, it has been classified as a Variant of Uncertain Significance.

Eurofins Ntd Llc (ga)
Classification: Uncertain significance. Last evaluated: 2018-06-11. Review status: criteria provided, single submitter. Criteria: EGL ClinVar v180209 classification definitions. Collection method: clinical testing. Allele origin: germline. Observed: 1 variant allele, 1 heterozygote.